The following is an entry in ClinVar:

ClinVar aggregate classification (germline): Pathogenic (1 of 4 stars; one submission).

Conditions:
Familial focal epilepsy with variable foci (FPEVF). Identifiers: Orphanet 98820, MedGen C1858477, MONDO:0020310.

Submission:

Labcorp Genetics (formerly Invitae), Labcorp
Classification: Pathogenic for Familial focal epilepsy with variable foci. Last evaluated: 2025-09-10. Review status: criteria provided, single submitter. Criteria: Invitae Variant Classification Sherloc (09022015). Collection method: clinical testing. Allele origin: germline.
Comment: This sequence change creates a premature translational stop signal (p.Thr592Alafs*7) in the DEPDC5 gene. It is expected to result in an absent or disrupted protein product. Loss-of-function variants in DEPDC5 are known to be pathogenic (PMID: 23542697, 23542701). This variant is not present in population databases (gnomAD no frequency). This variant has not been reported in the literature in individuals affected with DEPDC5-related conditions. For these reasons, this variant has been classified as Pathogenic.

Literature cited by the submitters: PubMed 23542697; PubMed 23542701.

NM_001242896.3(DEPDC5):c.1774_1775del (p.Thr592fs)

Gene: DEPDC5 (DEP domain containing 5, GATOR1 subcomplex subunit; plus strand). Cytogenetic location: 22q12.3.
Variant type: Microsatellite.
Coding change: c.1774_1775del on transcript NM_001242896.3 (MANE Select); coding-DNA positions 1774 to 1775, 2 bases deleted (AC; older notation c.1774_1775delAC).
Protein change: p.Thr592fs; shifts the reading frame from threonine 592.
Molecular consequence: frameshift variant. On other transcripts: non-coding transcript variant (5).
Genome position (GRCh38, 1-based): chr22:31,819,129-31,819,130, AC deleted; deleting any 2 consecutive bases within chr22:31,819,127-31,819,130 gives the same sequence; the c. name uses the placement nearest the transcript's 3' end. VCF-style (leftmost placement, unchanged base first): chr22-31819126-TAC-T. GRCh37 (hg19) VCF-style: chr22-32215112-TAC-T.
Other names: c.1774_1775del, p.Thr592fs (NM_001136029.4, NM_001242897.2, NM_001363852.2 and 6 more transcripts); c.1690_1691del, p.Thr564fs (NM_001369901.1, NM_001369902.1); short protein forms T592fs, T564fs.
Identifiers: ClinVar variation 2000636 (VCV002000636.4), dbSNP rs2519376156, ClinGen allele CA2580615299.